The following is an entry in ClinVar:

ClinVar aggregate classification (germline): Uncertain significance (1 of 4 stars; one submission).

Submission:

Labcorp Genetics (formerly Invitae), Labcorp
Classification: Uncertain significance. Last evaluated: 2025-11-03. Review status: criteria provided, single submitter. Criteria: Invitae Variant Classification Sherloc (09022015). Collection method: clinical testing. Allele origin: germline.
Comment: This variant, c.366_392del, results in the deletion of 9 amino acid(s) of the THAP11 protein (p.Gln124_Gln132del), but otherwise preserves the integrity of the reading frame. This variant is not present in population databases (gnomAD no frequency). This variant has not been reported in the literature in individuals affected with THAP11-related conditions. ClinVar contains an entry for this variant (Variation ID: 1349465). Experimental studies and prediction algorithms are not available or were not evaluated, and the functional significance of this variant is currently unknown. In summary, the available evidence is currently insufficient to determine the role of this variant in disease. Therefore, it has been classified as a Variant of Uncertain Significance.

NM_020457.3(THAP11):c.366_392del (p.Gln124_Gln132del)

Genes: CENPT (centromere protein T; minus strand), THAP11 (THAP domain containing 11; plus strand). Cytogenetic location: 16q22.1.
Variant type: Deletion.
Coding change: c.366_392del on transcript NM_020457.3 (MANE Select); coding-DNA positions 366 to 392, 27 bases deleted (ACAGCAGCAGCAGCAGCAGCAGCAGCA).
Protein change: p.Gln124_Gln132del.
Molecular consequence: inframe deletion. On other transcripts: intron variant (1).
Genome position (GRCh38, 1-based): chr16:67,842,920-67,842,946, ACAGCAGCAGCAGCAGCAGCAGCAGCA deleted; deleting any 27 consecutive bases within chr16:67,842,903-67,842,946 gives the same sequence; the c. name uses the placement nearest the transcript's 3' end. VCF-style (leftmost placement, unchanged base first): chr16-67842902-ACAGCAGCAGCAGCAGCAACAGCAGCAG-A. GRCh37 (hg19) VCF-style: chr16-67876805-ACAGCAGCAGCAGCAGCAACAGCAGCAG-A.
Other names: c.-492+4472_-492+4498del (NM_025082.4).
Identifiers: ClinVar variation 1349465 (VCV001349465.6), dbSNP rs758758376, ClinGen allele CA8118205.